The following is an entry in ClinVar:

ClinVar aggregate classification (germline): Uncertain significance (1 of 4 stars; one submission).

Conditions:
Fanconi anemia (FA). Also called: Fanconi's anemia. Identifiers: Orphanet 84, MedGen C0015625, MeSH D005199, MONDO:0019391.

Submission:

Labcorp Genetics (formerly Invitae), Labcorp
Classification: Uncertain significance for Fanconi anemia. Last evaluated: 2026-01-27. Review status: criteria provided, single submitter. Criteria: Invitae Variant Classification Sherloc (09022015). Collection method: clinical testing. Allele origin: germline.
Comment: This sequence change replaces glutamic acid, which is acidic and polar, with alanine, which is neutral and non-polar, at codon 1570 of the SLX4 protein (p.Glu1570Ala). This variant is not present in population databases (gnomAD no frequency). This variant has not been reported in the literature in individuals affected with SLX4-related conditions. An algorithm developed to predict the effect of missense changes on protein structure and function (PolyPhen-2) suggests that this variant is likely to be disruptive. In summary, the available evidence is currently insufficient to determine the role of this variant in disease. Therefore, it has been classified as a Variant of Uncertain Significance.

NM_032444.4(SLX4):c.4709A>C (p.Glu1570Ala)

Gene: SLX4 (SLX4 structure-specific endonuclease subunit; minus strand). Cytogenetic location: 16p13.3.
Variant type: single nucleotide variant.
Coding change: c.4709A>C on transcript NM_032444.4 (MANE Select); coding-DNA position 4709, A replaced by C.
Protein change: p.Glu1570Ala; replaces glutamic acid 1570 with alanine.
Molecular consequence: missense variant.
Genome position (GRCh38, 1-based): chr16:3,584,799, T>G on the plus strand (A>C on the coding strand, the complement: SLX4 is on the minus strand). VCF-style: chr16-3584799-T-G. GRCh37 (hg19) VCF-style: chr16-3634800-T-G.
Other names: short protein forms E1570A.
Identifiers: ClinVar variation 4730762 (VCV004730762.1).
Genomic context (GRCh38, chr16:3,584,799, plus strand): 5'-TGTGGGCAACAAGCTTTGAAGACCGCCAACCTATCCAGTTCCTTCTTCAGCACCGGCGTC[T>G]CCATAATGGAATACTGTGGCATCGGCGTTATGGGCACTTTGGGGGGCAAGTTCTTCTTCC-3'
Protein context (NP_115820.2, residues 1560-1580): ITPMPQYSIM[Glu1570Ala]TPVLKKELDR